The following is an entry in ClinVar:

ClinVar aggregate classification (germline): Benign/Likely benign. Review status: criteria provided, multiple submitters, no conflicts (2 of 4 stars). 8 submissions from 8 submitters: Benign (7); Likely benign (1). Last evaluated 2026-01-27.

Conditions:
Inborn genetic diseases. Identifiers: MedGen C0950123, MeSH D030342.
Charcot-Marie-Tooth disease type 4. Also called: Charcot-Marie-Tooth, Type 4; Charcot-Marie-Tooth disease, type IV. Identifiers: Orphanet 64749, MedGen C4082197, MONDO:0018995.
Charcot-Marie-Tooth disease. Also called: Charcot-Marie-Tooth Hereditary Neuropathy; Charcot-Marie-Tooth Neuropathy. Identifiers: Orphanet 166, MedGen C0007959, MONDO:0015626.
Charcot-Marie-Tooth disease type 4F. Also called: Charcot-Marie-Tooth disease, demyelinating, type 4F. Identifiers: Orphanet 99952, MedGen C3540453, MONDO:0013959, OMIM 614895.

Allele frequency attached by ClinVar (database versions not stated): gnomAD exomes 0.00162; ExAC 0.00201; gnomAD 0.00587 and 0.00644; 1000 Genomes Project 0.00659; TOPMed 0.00686; 1000 Genomes Project 30x 0.00718; ESP Exome Variant Server 0.00792.
gnomAD v4.1: 1,983 of 1,614,198 alleles (0.12%); highest among the groups gnomAD compares: African/African-American, 2.1%; 15 homozygotes.

Submissions (8):

Labcorp Genetics (formerly Invitae), Labcorp
Classification: Benign for Charcot-Marie-Tooth disease type 4. Last evaluated: 2026-01-27. Review status: criteria provided, single submitter. Criteria: Invitae Variant Classification Sherloc (09022015). Collection method: clinical testing. Allele origin: germline.

ARUP Laboratories, Molecular Genetics and Genomics, ARUP Laboratories
Classification: Benign. Last evaluated: 2023-10-13. Review status: criteria provided, single submitter. Criteria: ARUP Molecular Germline Variant Investigation Process 2024. Collection method: clinical testing. Allele origin: germline.

Ambry Genetics
Classification: Likely benign for Inborn genetic diseases. Last evaluated: 2019-07-11. Review status: criteria provided, single submitter. Criteria: Ambry Variant Classification Scheme 2023. Collection method: clinical testing. Allele origin: germline.

Athena Diagnostics
Classification: Benign. Last evaluated: 2018-11-29. Review status: criteria provided, single submitter. Criteria: Athena Diagnostics Criteria. Collection method: clinical testing. Allele origin: germline.

Illumina Laboratory Services, Illumina
Classification: Benign for Charcot-Marie-Tooth disease type 4F. Last evaluated: 2018-01-12. Review status: criteria provided, single submitter. Criteria: ICSL Variant Classification Criteria 13 December 2019. Collection method: clinical testing. Allele origin: germline.
Comment: This variant was observed in the ICSL laboratory as part of a predisposition screen in an ostensibly healthy population. It had not been previously curated by ICSL or reported in the Human Gene Mutation Database (HGMD: prior to June 1st, 2018), and was therefore a candidate for classification through an automated scoring system. Utilizing variant allele frequency, disease prevalence and penetrance estimates, and inheritance mode, an automated score was calculated to assess if this variant is too frequent to cause the disease. Based on the score and internal cut-off values, a variant classified as benign is not then subjected to further curation. The score for this variant resulted in a classification of benign for this disease.

GeneDx
Classification: Benign. Last evaluated: 2016-02-02. Review status: criteria provided, single submitter. Criteria: GeneDx Variant Classification (06012015). Collection method: clinical testing. Allele origin: germline. Affected: yes.
Comment: This variant is considered likely benign or benign based on one or more of the following criteria: it is a conservative change, it occurs at a poorly conserved position in the protein, it is predicted to be benign by multiple in silico algorithms, and/or has population frequency not consistent with disease.

Breakthrough Genomics
Classification: Benign. Review status: criteria provided, single submitter. Criteria: ACMG Guidelines, 2015. Collection method: not provided. Allele origin: germline. Inheritance: Autosomal recessive inheritance. Affected: yes.

Molecular Genetics Laboratory, London Health Sciences Centre
Classification: Benign for Charcot-Marie-Tooth disease. Review status: criteria provided, single submitter. Criteria: ACMG Guidelines, 2015. Collection method: clinical testing. Allele origin: germline. Affected: yes.

NM_181882.3(PRX):c.2469G>A (p.Ala823=)

Gene: PRX (periaxin; minus strand). Cytogenetic location: 19q13.2.
Variant type: single nucleotide variant.
Coding change: c.2469G>A on transcript NM_181882.3 (MANE Select); coding-DNA position 2469, G replaced by A.
Protein change: p.Ala823=; no amino-acid change (alanine 823 retained).
Molecular consequence: synonymous variant. On other transcripts: 3 prime UTR variant (1).
Genome position (GRCh38, 1-based): chr19:40,395,883, C>T on the plus strand (G>A on the coding strand, the complement: PRX is on the minus strand). VCF-style: chr19-40395883-C-T. GRCh37 (hg19) VCF-style: chr19-40901790-C-T.
Other names: c.*2674G>A (NM_020956.2).
Identifiers: ClinVar variation 378435 (VCV000378435.27), dbSNP rs61733450, ClinGen allele CA9444047.
Genomic context (GRCh38, chr19:40,395,883, plus strand): 5'-ACCATCCACCTCTGGCTGCAGACAGGGAAGTGTTACCAGCTTCCCTGAGACCTCAGCACC[C>T]GCCTCGCCTGGCTTGCCACGTGATGGGGACTCTGCCCTCCCTAGCTTGGGCATGGTCATC-3'
Protein context (NP_870998.2, residues 813-833): ESPSRGKPGE[Ala823=]GAEVSGKLVT